The following is an entry in ClinVar:

NM_015450.3(POT1):c.566C>T (p.Thr189Ile)

Gene: POT1 (protection of telomeres 1; minus strand). Cytogenetic location: 7q31.33.
Variant type: single nucleotide variant.
Coding change: c.566C>T on transcript NM_015450.3 (MANE Select); coding-DNA position 566, C replaced by T.
Protein change: p.Thr189Ile; replaces threonine 189 with isoleucine.
Molecular consequence: missense variant. On other transcripts: non-coding transcript variant (3).
Genome position (GRCh38, 1-based): chr7:124,859,093, G>A on the plus strand (C>T on the coding strand, the complement: POT1 is on the minus strand). VCF-style: chr7-124859093-G-A. GRCh37 (hg19) VCF-style: chr7-124499147-G-A.
Other names: c.173C>T, p.Thr58Ile (NM_001042594.2); c.566C>T (NM_015450.2); short protein forms T58I, T189I.
Identifiers: ClinVar variation 1472689 (VCV001472689.15), dbSNP rs1795518878, ClinGen allele CA369056781.

ClinVar aggregate classification (germline): Uncertain significance. Review status: criteria provided, multiple submitters, no conflicts (2 of 4 stars). 3 submissions from 3 submitters: Uncertain significance (3). Last evaluated 2026-01-15.

Conditions:
Tumor predisposition syndrome 3 (TPDS3). Also called: Melanoma, cutaneous malignant, susceptibility to, 10; LONG TELOMERE SYNDROME, POT1-RELATED; POT1 Tumor Predisposition; Glioma susceptibility 9. Identifiers: Orphanet 618, MedGen C4014476, MONDO:0014368, OMIM 615848.
Hereditary cancer-predisposing syndrome. Also called: Tumor predisposition; Neoplastic Syndromes, Hereditary; Hereditary Cancer Syndrome; Hereditary neoplastic syndrome. Identifiers: Orphanet 140162, MedGen C0027672, MeSH D009386, MONDO:0015356.

Allele frequency attached by ClinVar (database versions not stated): gnomAD exomes below 0.00001.
gnomAD v4.1: 1 of 1,599,184 alleles (0.000063%); no homozygotes.

Submissions (3):

Ambry Genetics
Classification: Uncertain significance for Hereditary cancer-predisposing syndrome. Last evaluated: 2026-01-15. Review status: criteria provided, single submitter. Criteria: Ambry Variant Classification Scheme 2023. Collection method: clinical testing. Allele origin: germline.
Comment: The p.T189I variant (also known as c.566C>T), located in coding exon 5 of the POT1 gene, results from a C to T substitution at nucleotide position 566. The threonine at codon 189 is replaced by isoleucine, an amino acid with similar properties. This amino acid position is conserved. In addition, this alteration is predicted to be tolerated by in silico analysis. Based on the available evidence, the clinical significance of this variant remains unclear.

Center for Genomic Medicine, Rigshospitalet, Copenhagen University Hospital
Classification: Uncertain significance. Last evaluated: 2025-03-04. Review status: criteria provided, single submitter. Criteria: ACMG Guidelines, 2015. Collection method: clinical testing. Allele origin: germline.

Labcorp Genetics (formerly Invitae), Labcorp
Classification: Uncertain significance for Tumor predisposition syndrome 3. Last evaluated: 2024-07-30. Review status: criteria provided, single submitter. Criteria: Invitae Variant Classification Sherloc (09022015). Collection method: clinical testing. Allele origin: germline.
Comment: This sequence change replaces threonine, which is neutral and polar, with isoleucine, which is neutral and non-polar, at codon 189 of the POT1 protein (p.Thr189Ile). This variant is not present in population databases (gnomAD no frequency). This variant has not been reported in the literature in individuals affected with POT1-related conditions. ClinVar contains an entry for this variant (Variation ID: 1472689). Advanced modeling of protein sequence and biophysical properties (such as structural, functional, and spatial information, amino acid conservation, physicochemical variation, residue mobility, and thermodynamic stability) performed at Invitae indicates that this missense variant is not expected to disrupt POT1 protein function with a negative predictive value of 80%. In summary, the available evidence is currently insufficient to determine the role of this variant in disease. Therefore, it has been classified as a Variant of Uncertain Significance.